The following is an entry in ClinVar:

NM_030665.4(RAI1):c.386C>A (p.Pro129Gln)

Gene: RAI1 (retinoic acid induced 1; plus strand). Cytogenetic location: 17p11.2.
Variant type: single nucleotide variant.
Coding change: c.386C>A on transcript NM_030665.4 (MANE Select); coding-DNA position 386, C replaced by A.
Protein change: p.Pro129Gln; replaces proline 129 with glutamine.
Molecular consequence: missense variant.
Genome position (GRCh38, 1-based): chr17:17,793,334, C>A. VCF-style: chr17-17793334-C-A. GRCh37 (hg19) VCF-style: chr17-17696648-C-A.
Other names: short protein forms P129Q.
Identifiers: ClinVar variation 1460525 (VCV001460525.8), dbSNP rs748915017, ClinGen allele CA398545349.
Genomic context (GRCh38, chr17:17,793,334, plus strand): 5'-CAGGCCGCTATGCTGGTGAGGAGAGCCTTCAGGCTTGGGGGGCCCCACAGCCACCACCCC[C>A]ACAGCCGCAGCCACTACCTGCAGGGGTGGCCAAGTATGATGAGAACTTGATGAAAAAGAC-3'
Protein context (NP_109590.3, residues 119-139): QAWGAPQPPP[Pro129Gln]QPQPLPAGVA

ClinVar aggregate classification (germline): Uncertain significance (1 of 4 stars; one submission).

gnomAD v4.1: 9 of 1,612,684 alleles (0.00056%); highest among the groups gnomAD compares: South Asian, 0.0011%; no homozygotes.

Submission:

Labcorp Genetics (formerly Invitae), Labcorp
Classification: Uncertain significance. Last evaluated: 2026-02-02. Review status: criteria provided, single submitter. Criteria: Invitae Variant Classification Sherloc (09022015). Collection method: clinical testing. Allele origin: germline.
Comment: This sequence change replaces proline, which is neutral and non-polar, with glutamine, which is neutral and polar, at codon 129 of the RAI1 protein (p.Pro129Gln). This variant is present in population databases (no rsID available, gnomAD 0.01%). This variant has not been reported in the literature in individuals affected with RAI1-related conditions. ClinVar contains an entry for this variant (Variation ID: 1460525). An algorithm developed to predict the effect of missense changes on protein structure and function (PolyPhen-2) suggests that this variant is likely to be disruptive. In summary, the available evidence is currently insufficient to determine the role of this variant in disease. Therefore, it has been classified as a Variant of Uncertain Significance.